The following is an entry in ClinVar:

NM_017934.7(PHIP):c.12G>A (p.Glu4=)

Genes: PHIP (PHIP subunit of CUL4-Ring ligase complex; minus strand), LOC129996745 (ATAC-STARR-seq lymphoblastoid silent region 17346; plus strand). Cytogenetic location: 6q14.1.
Variant type: single nucleotide variant.
Coding change: c.12G>A on transcript NM_017934.7 (MANE Select); coding-DNA position 12, G replaced by A.
Protein change: p.Glu4=; no amino-acid change (glutamic acid 4 retained).
Molecular consequence: synonymous variant.
Genome position (GRCh38, 1-based): chr6:79,078,057, C>T on the plus strand (G>A on the coding strand, the complement: PHIP is on the minus strand). VCF-style: chr6-79078057-C-T. GRCh37 (hg19) VCF-style: chr6-79787774-C-T.
Identifiers: ClinVar variation 4986253 (VCV004986253.1).
Genomic context (GRCh38, chr6:79,078,057, plus strand): 5'-GTGCCAGCGGCCCCGGCAGCCCCCCGACTTACCCGATCGCAGCTCCGAGAGGCCTTTCCT[C>T]TCACAAGACATGTTTATGGGTCACTTCAGGGCCGCCGACGGGACACCCCGCCGCCGAGGG-3'
Protein context (NP_060404.4, residues 1-14): MSC[Glu4=]RKGLSELRSE

ClinVar aggregate classification (germline): Likely benign (1 of 4 stars; one submission).

Conditions:
PHIP-related disorder. Also called: PHIP-related disorders; PHIP-related condition.

gnomAD v4.1: 8 of 1,609,378 alleles (0.0005%); highest among the groups gnomAD compares: Non-Finnish European, 0.00059%; no homozygotes.

Submission:

PreventionGenetics, part of Exact Sciences
Classification: Likely benign for PHIP-related condition. Last evaluated: 2026-09-22. Review status: criteria provided, single submitter. Criteria: ACMG Guidelines, 2015. Collection method: clinical testing. Allele origin: germline.
Comment: This variant is classified as likely benign based on ACMG/AMP sequence variant interpretation guidelines (Richards et al. 2015 PMID: 25741868, with internal and published modifications).